The following is an entry in ClinVar:

ClinVar aggregate classification (germline): Uncertain significance (1 of 4 stars; one submission).

Allele frequency attached by ClinVar (database versions not stated): gnomAD exomes 0.00002; TOPMed 0.00002; gnomAD 0.00003; ExAC 0.00006; 1000 Genomes Project 0.00020; 1000 Genomes Project 30x 0.00031.
gnomAD v4.1: 31 of 1,551,940 alleles (0.002%); highest among the groups gnomAD compares: South Asian, 0.025%; no homozygotes.

Submission:

Labcorp Genetics (formerly Invitae), Labcorp
Classification: Uncertain significance. Last evaluated: 2022-05-27. Review status: criteria provided, single submitter. Criteria: Invitae Variant Classification Sherloc (09022015). Collection method: clinical testing. Allele origin: germline.
Comment: This sequence change replaces proline, which is neutral and non-polar, with leucine, which is neutral and non-polar, at codon 929 of the TONSL protein (p.Pro929Leu). This variant is present in population databases (rs537223431, gnomAD 0.01%). This variant has not been reported in the literature in individuals affected with TONSL-related conditions. Algorithms developed to predict the effect of missense changes on protein structure and function output the following: SIFT: "Tolerated"; PolyPhen-2: "Benign"; Align-GVGD: "Class C0". The leucine amino acid residue is found in multiple mammalian species, which suggests that this missense change does not adversely affect protein function. In summary, the available evidence is currently insufficient to determine the role of this variant in disease. Therefore, it has been classified as a Variant of Uncertain Significance.

NM_013432.5(TONSL):c.2786C>T (p.Pro929Leu)

Genes: TONSL (tonsoku like, DNA repair protein; minus strand), TONSL-AS1 (TONSL antisense RNA 1; plus strand). Cytogenetic location: 8q24.3.
Variant type: single nucleotide variant.
Coding change: c.2786C>T on transcript NM_013432.5 (MANE Select); coding-DNA position 2786, C replaced by T.
Protein change: p.Pro929Leu; replaces proline 929 with leucine.
Molecular consequence: missense variant.
Genome position (GRCh38, 1-based): chr8:144,435,540, G>A on the plus strand (C>T on the coding strand, the complement: TONSL is on the minus strand). VCF-style: chr8-144435540-G-A. GRCh37 (hg19) VCF-style: chr8-145660923-G-A.
Other names: short protein forms P929L.
Identifiers: ClinVar variation 1908831 (VCV001908831.2), dbSNP rs537223431, ClinGen allele CA4942704.
Genomic context (GRCh38, chr8:144,435,540, plus strand): 5'-GGGACAGGGATGAGGAAGAGATGATCCTGAACTTGAACTCGAACCCGGATGGGAGGGGGC[G>A]GGGCCGGACCCTGGCAGGTGAAGGCAGCAGGGCTGAGTCAGGAGCCACAGTGGGCTCCAC-3'
Protein context (NP_038460.4, residues 919-939): SAAGQPLGPA[Pro929Leu]PPPIRVRVQV